The following is an entry in ClinVar:

NM_005876.5(SPEG):c.2021C>G (p.Pro674Arg)

Gene: SPEG (striated muscle enriched protein kinase; plus strand). Cytogenetic location: 2q35.
Variant type: single nucleotide variant.
Coding change: c.2021C>G on transcript NM_005876.5 (MANE Select); coding-DNA position 2021, C replaced by G.
Protein change: p.Pro674Arg; replaces proline 674 with arginine.
Molecular consequence: missense variant.
Genome position (GRCh38, 1-based): chr2:219,449,179, C>G. VCF-style: chr2-219449179-C-G. GRCh37 (hg19) VCF-style: chr2-220313901-C-G.
Other names: p.Pro674Arg; c.2021C>G (NM_005876.4); short protein forms P674R.
Identifiers: ClinVar variation 2049974 (VCV002049974.3), dbSNP rs757668535, ClinGen allele CA66005099.

ClinVar aggregate classification (germline): Uncertain significance. Review status: criteria provided, multiple submitters, no conflicts (2 of 4 stars). 3 submissions from 3 submitters: Uncertain significance (3). Last evaluated 2025-02-05.

Conditions:
Inborn genetic diseases. Identifiers: MedGen C0950123, MeSH D030342.

Allele frequency attached by ClinVar (database versions not stated): gnomAD 0.00011; TOPMed 0.00009.
gnomAD v4.1: 234 of 1,394,002 alleles (0.017%); highest among the groups gnomAD compares: Non-Finnish European, 0.021%; 1 homozygote.

Submissions (3):

Mayo Clinic Laboratories, Mayo Clinic
Classification: Uncertain significance. Last evaluated: 2025-02-05. Review status: criteria provided, single submitter. Criteria: ACMG Guidelines, 2015. Collection method: clinical testing. Allele origin: germline. Observed: 1 variant allele.
Comment: BP4

Ambry Genetics
Classification: Uncertain significance for Inborn genetic diseases. Last evaluated: 2024-04-22. Review status: criteria provided, single submitter. Criteria: Ambry Variant Classification Scheme 2023. Collection method: clinical testing. Allele origin: germline.

Labcorp Genetics (formerly Invitae), Labcorp
Classification: Uncertain significance. Last evaluated: 2022-08-16. Review status: criteria provided, single submitter. Criteria: Invitae Variant Classification Sherloc (09022015). Collection method: clinical testing. Allele origin: germline.
Comment: This sequence change replaces proline, which is neutral and non-polar, with arginine, which is basic and polar, at codon 674 of the SPEG protein (p.Pro674Arg). This variant is present in population databases (no rsID available, gnomAD 0.02%). This variant has not been reported in the literature in individuals affected with SPEG-related conditions. Algorithms developed to predict the effect of missense changes on protein structure and function are either unavailable or do not agree on the potential impact of this missense change (SIFT: "Deleterious"; PolyPhen-2: "Benign"; Align-GVGD: "Class C0"). In summary, the available evidence is currently insufficient to determine the role of this variant in disease. Therefore, it has been classified as a Variant of Uncertain Significance.